The following is an entry in ClinVar:

NM_139318.5(KCNH5):c.875G>T (p.Trp292Leu)

Gene: KCNH5 (potassium voltage-gated channel subfamily H member 5; minus strand). Cytogenetic location: 14q23.2.
Variant type: single nucleotide variant.
Coding change: c.875G>T on transcript NM_139318.5 (MANE Select); coding-DNA position 875, G replaced by T.
Protein change: p.Trp292Leu; replaces tryptophan 292 with leucine.
Molecular consequence: missense variant.
Genome position (GRCh38, 1-based): chr14:62,980,939, C>A on the plus strand (G>T on the coding strand, the complement: KCNH5 is on the minus strand). VCF-style: chr14-62980939-C-A. GRCh37 (hg19) VCF-style: chr14-63447657-C-A.
Other names: c.875G>T, p.Trp292Leu (NM_172375.3); short protein forms W292L.
Identifiers: ClinVar variation 3339973 (VCV003339973.1).

ClinVar aggregate classification (germline): Uncertain significance (1 of 4 stars; one submission).

Submission:

Women's Health and Genetics/Laboratory Corporation of America, LabCorp
Classification: Uncertain significance. Last evaluated: 2024-06-19. Review status: criteria provided, single submitter. Criteria: LabCorp Variant Classification Summary - May 2015. Collection method: clinical testing. Allele origin: germline.
Comment: Variant summary: KCNH5 c.875G>T (p.Trp292Leu) results in a non-conservative amino acid change located in the Ion transport domain (IPR005821) of the encoded protein sequence. Five of five in-silico tools predict a damaging effect of the variant on protein function. The variant was absent in 251186 control chromosomes. The available data on variant occurrences in the general population are insufficient to allow any conclusion about variant significance. To our knowledge, no occurrence of c.875G>T in individuals affected with Developmental And Epileptic Encephalopathy-112 and no experimental evidence demonstrating its impact on protein function have been reported. No submitters have cited clinical-significance assessments for this variant to ClinVar. Based on the evidence outlined above, the variant was classified as uncertain significance.